The following is an entry in ClinVar:

ClinVar aggregate classification (germline): Uncertain significance (1 of 4 stars; one submission).

Conditions:
Beckwith-Wiedemann syndrome (BWS). Also called: EMG SYNDROME; Exomphalos macroglossia gigantism syndrome. Identifiers: Orphanet 116, MedGen C0004903, MONDO:0007534, OMIM 130650.

Submission:

Labcorp Genetics (formerly Invitae), Labcorp
Classification: Uncertain significance for Beckwith-Wiedemann syndrome. Last evaluated: 2022-02-28. Review status: criteria provided, single submitter. Criteria: Invitae Variant Classification Sherloc (09022015). Collection method: clinical testing. Allele origin: germline.
Comment: Algorithms developed to predict the effect of missense changes on protein structure and function are either unavailable or do not agree on the potential impact of this missense change (SIFT: "Deleterious"; PolyPhen-2: "Not Available"; Align-GVGD: "Class C0"). In summary, the available evidence is currently insufficient to determine the role of this variant in disease. Therefore, it has been classified as a Variant of Uncertain Significance. This variant has not been reported in the literature in individuals affected with CDKN1C-related conditions. This variant is not present in population databases (gnomAD no frequency). This sequence change replaces valine, which is neutral and non-polar, with phenylalanine, which is neutral and non-polar, at codon 141 of the CDKN1C protein (p.Val141Phe).

NM_001122630.2(CDKN1C):c.388G>T (p.Val130Phe)

Gene: CDKN1C (cyclin dependent kinase inhibitor 1C; minus strand). Cytogenetic location: 11p15.4.
Variant type: single nucleotide variant.
Coding change: c.388G>T on transcript NM_001122630.2 (MANE Select); coding-DNA position 388, G replaced by T.
Protein change: p.Val130Phe; replaces valine 130 with phenylalanine.
Molecular consequence: missense variant. On other transcripts: intron variant (1).
Genome position (GRCh38, 1-based): chr11:2,885,069, C>A on the plus strand (G>T on the coding strand, the complement: CDKN1C is on the minus strand). VCF-style: chr11-2885069-C-A. GRCh37 (hg19) VCF-style: chr11-2906299-C-A.
Other names: c.421G>T, p.Val141Phe (NM_000076.2, NM_001362474.2); c.388G>T, p.Val130Phe (NM_001122631.2); c.255+133G>T (NM_001362475.2); short protein forms V130F, V141F.
Identifiers: ClinVar variation 1988948 (VCV001988948.4), dbSNP rs1848957156, ClinGen allele CA379146727.